The following is an entry in ClinVar:

NM_000161.3(GCH1):c.328C>G (p.Gln110Glu)

Gene: GCH1 (GTP cyclohydrolase 1; minus strand). Cytogenetic location: 14q22.2.
Variant type: single nucleotide variant.
Coding change: c.328C>G on transcript NM_000161.3 (MANE Select); coding-DNA position 328, C replaced by G.
Protein change: p.Gln110Glu; replaces glutamine 110 with glutamic acid.
Molecular consequence: missense variant.
Genome position (GRCh38, 1-based): chr14:54,902,336, G>C on the plus strand (C>G on the coding strand, the complement: GCH1 is on the minus strand). VCF-style: chr14-54902336-G-C. GRCh37 (hg19) VCF-style: chr14-55369054-G-C.
Other names: c.328C>G, p.Gln110Glu (NM_001024024.2, NM_001024070.2, NM_001024071.2); short protein forms Q110E.
Identifiers: ClinVar variation 444330 (VCV000444330.54), dbSNP rs748944982, ClinGen allele CA7193636.

ClinVar aggregate classification (germline): Uncertain significance. Review status: criteria provided, multiple submitters, no conflicts (2 of 4 stars). 5 submissions from 5 submitters: Uncertain significance (5). Last evaluated 2026-03-05.

Conditions:
Dystonia 5 (DRD). Also called: GTP Cyclohydrolase 1-Deficient Dopa-Responsive Dystonia; DYT-GCH1; Dystonia, DOPA-responsive, with or without hyperphenylalaninemia; DYSTONIA, PROGRESSIVE, WITH DIURNAL VARIATION; DYSTONIA-PARKINSONISM WITH DIURNAL FLUCTUATION. Identifiers: Orphanet 98808, MedGen C1851920, MONDO:0007495, OMIM 128230.
GTP cyclohydrolase I deficiency with hyperphenylalaninemia (HPABH4B). Also called: HYPERPHENYLALANINEMIA, BH4-DEFICIENT, B; Hyperphenylalaninemia, tetrahydrobiopterin-deficient, due to GTP cyclohydrolase 1 deficiency; HYPERPHENYLALANINEMIA, TETRAHYDROBIOPTERIN-DEFICIENT, DUE TO GTP CYCLOHYDROLASE I DEFICIENCY. Identifiers: Orphanet 2102, Orphanet 238583, MedGen CN305333, MONDO:0100186, OMIM 233910.
GTP cyclohydrolase I deficiency. Identifiers: MedGen C0268467, MONDO:0100184.

Allele frequency attached by ClinVar (database versions not stated): ExAC 0.00005; gnomAD 0.00007 and 0.00009; TOPMed 0.00009; gnomAD exomes 0.00010.
gnomAD v4.1: 182 of 1,612,526 alleles (0.011%); highest among the groups gnomAD compares: Admixed American, 0.017%; no homozygotes.

Submissions (5):

GeneDx
Classification: Uncertain significance. Last evaluated: 2026-03-05. Review status: criteria provided, single submitter. Criteria: GeneDx Variant Classification Process June 2021. Collection method: clinical testing. Allele origin: germline.
Comment: In silico analysis indicates that this missense variant does not alter protein structure/function; This variant is associated with the following publications: (PMID: 32740907, 24993959)

CeGaT Center for Human Genetics Tuebingen
Classification: Uncertain significance. Last evaluated: 2025-11-01. Review status: criteria provided, single submitter. Criteria: CeGaT Center For Human Genetics Tuebingen Variant Classification Criteria Version 2. Collection method: clinical testing. Allele origin: germline. Affected: yes. Observed: 5 variant alleles.
Comment: GCH1: PM1

Labcorp Genetics (formerly Invitae), Labcorp
Classification: Uncertain significance for GTP cyclohydrolase I deficiency; Dystonia 5. Last evaluated: 2025-01-13. Review status: criteria provided, single submitter. Criteria: Invitae Variant Classification Sherloc (09022015). Collection method: clinical testing. Allele origin: germline.
Comment: This sequence change replaces glutamine, which is neutral and polar, with glutamic acid, which is acidic and polar, at codon 110 of the GCH1 protein (p.Gln110Glu). This variant is present in population databases (rs748944982, gnomAD 0.02%). This missense change has been observed in individual(s) with Parkinson's disease (PMID: 24993959, 32740907). ClinVar contains an entry for this variant (Variation ID: 444330). Invitae Evidence Modeling of protein sequence and biophysical properties (such as structural, functional, and spatial information, amino acid conservation, physicochemical variation, residue mobility, and thermodynamic stability) indicates that this missense variant is not expected to disrupt GCH1 protein function with a negative predictive value of 80%. In summary, the available evidence is currently insufficient to determine the role of this variant in disease. Therefore, it has been classified as a Variant of Uncertain Significance.

Revvity Omics, Revvity
Classification: Uncertain significance. Last evaluated: 2024-09-17. Review status: criteria provided, single submitter. Criteria: ACMG Guidelines, 2015. Collection method: clinical testing. Allele origin: germline.

Fulgent Genetics
Classification: Uncertain significance for Dystonia 5; GTP cyclohydrolase I deficiency with hyperphenylalaninemia. Last evaluated: 2021-08-11. Review status: criteria provided, single submitter. Criteria: ACMG Guidelines, 2015. Collection method: clinical testing. Allele origin: unknown.

Literature cited by the submitters: PubMed 24993959 (cited by Labcorp Genetics (formerly Invitae), Labcorp); PubMed 32740907 (cited by Labcorp Genetics (formerly Invitae), Labcorp).